The following is an entry in ClinVar:

ClinVar aggregate classification (germline): Likely benign (0 of 4 stars; one submission).

Conditions:
Breast-ovarian cancer, familial, susceptibility to, 2 (BROVCA2). Also called: BRCA2 Hereditary Breast and Ovarian Cancer. Identifiers: Orphanet 145, MedGen C2675520, MONDO:0012933, OMIM 612555. Disease mechanism: loss of function.

gnomAD v4.1: 1 of 1,614,106 alleles (0.000062%); highest among the groups gnomAD compares: South Asian, 0.0011%; no homozygotes.

Submission:

Department of Medical and Surgical Sciences, University of Bologna
Classification: Likely benign for Breast-ovarian cancer, familial, susceptibility to, 2. Last evaluated: 2023-09-01. Review status: no assertion criteria provided. Collection method: clinical testing. Allele origin: germline. Affected: yes.
Comment: BP1(Strong) according to ACMG/AMP classification guidelines specified for BRCA1 & BRCA2 (Classification Criteria V1.0.0 2023-09-08) (PMID: 38160042)

NM_000059.4(BRCA2):c.3519T>G (p.Ile1173Met)

Gene: BRCA2 (BRCA2 DNA repair associated; plus strand). Cytogenetic location: 13q13.1.
Variant type: single nucleotide variant.
Coding change: c.3519T>G on transcript NM_000059.4 (MANE Select); coding-DNA position 3519, T replaced by G.
Protein change: p.Ile1173Met; replaces isoleucine 1173 with methionine.
Molecular consequence: missense variant. On other transcripts: non-coding transcript variant (1), intron variant (2).
Genome position (GRCh38, 1-based): chr13:32,337,874, T>G. VCF-style: chr13-32337874-T-G. GRCh37 (hg19) VCF-style: chr13-32912011-T-G.
Other names: c.3519T>G, p.Ile1173Met (NM_001406719.1, NM_001406720.1); c.1909+4487T>G (NM_001406721.1); c.425-6684T>G (NM_001406722.1); short protein forms I1173M.
Identifiers: ClinVar variation 2683818 (VCV002683818.1), dbSNP rs1555283271, ClinGen allele CA387777041.
Genomic context (GRCh38, chr13:32,337,874, plus strand): 5'-GACCACTTCTGAGGAATGCAGAGATGCTGATCTTCATGTCATAATGAATGCCCCATCGAT[T>G]GGTCAGGTAGACAGCAGCAAGCAATTTGAAGGTACAGTTGAAATTAAACGGAAGTTTGCT-3'
Protein context (NP_000050.3, residues 1163-1183): DLHVIMNAPS[Ile1173Met]GQVDSSKQFE